The following is an entry in ClinVar:

ClinVar aggregate classification (germline): Uncertain significance (1 of 4 stars; one submission).

Allele frequency attached by ClinVar (database versions not stated): TOPMed below 0.00001; gnomAD exomes 0.00001.
gnomAD v4.1: 12 of 1,211,425 alleles (0.00099%); highest among the groups gnomAD compares: East Asian, 0.021%; no homozygotes.

Submission:

Labcorp Genetics (formerly Invitae), Labcorp
Classification: Uncertain significance. Last evaluated: 2022-08-10. Review status: criteria provided, single submitter. Criteria: Invitae Variant Classification Sherloc (09022015). Collection method: clinical testing. Allele origin: germline.
Comment: In summary, the available evidence is currently insufficient to determine the role of this variant in disease. Therefore, it has been classified as a Variant of Uncertain Significance. Variants that disrupt the consensus splice site are a relatively common cause of aberrant splicing (PMID: 17576681, 9536098). Algorithms developed to predict the effect of sequence changes on RNA splicing suggest that this variant may create or strengthen a splice site. Algorithms developed to predict the effect of missense changes on protein structure and function are either unavailable or do not agree on the potential impact of this missense change (SIFT: "Deleterious"; PolyPhen-2: "Probably Damaging"; Align-GVGD: "Class C0"). ClinVar contains an entry for this variant (Variation ID: 1506414). This variant has not been reported in the literature in individuals affected with DRP2-related conditions. This variant is present in population databases (no rsID available, gnomAD 0.003%). This sequence change affects codon 94 of the DRP2 mRNA. It is a 'silent' change, meaning that it does not change the encoded amino acid sequence of the DRP2 protein. This variant also falls at the last nucleotide of exon 4, which is part of the consensus splice site for this exon.

Literature cited by the submitters: PubMed 17576681; PubMed 9536098.

NM_001939.3(DRP2):c.281G>A (p.Arg94His)

Gene: DRP2 (dystrophin related protein 2; plus strand). Cytogenetic location: Xq22.1.
Variant type: single nucleotide variant.
Coding change: c.281G>A on transcript NM_001939.3 (MANE Select); coding-DNA position 281, G replaced by A.
Protein change: p.Arg94His; replaces arginine 94 with histidine.
Molecular consequence: missense variant.
Genome position (GRCh38, 1-based): chrX:101,236,023, G>A. VCF-style: chrX-101236023-G-A. GRCh37 (hg19) VCF-style: chrX-100491012-G-A.
Other names: c.47G>A, p.Arg16His (NM_001171184.2); short protein forms R94H, R16H.
Identifiers: ClinVar variation 1506414 (VCV001506414.6), dbSNP rs1282399803, ClinGen allele CA413911584.